The following is an entry in ClinVar:

ClinVar aggregate classification (germline): Likely benign (0 of 4 stars; one submission).

Conditions:
ANKFY1-related disorder. Also called: ANKFY1-related condition.

Allele frequency attached by ClinVar (database versions not stated): gnomAD 0.00009; gnomAD exomes 0.00009; ExAC 0.00012; TOPMed 0.00012; 1000 Genomes Project 0.00020; 1000 Genomes Project 30x 0.00031.
gnomAD v4.1: 155 of 1,614,194 alleles (0.0096%); highest among the groups gnomAD compares: Middle Eastern, 0.049%; no homozygotes.

Submission:

PreventionGenetics, part of Exact Sciences
Classification: Likely benign for ANKFY1-related condition. Last evaluated: 2020-06-23. Review status: no assertion criteria provided. Collection method: clinical testing. Allele origin: germline.
Comment: This variant is classified as likely benign based on ACMG/AMP sequence variant interpretation guidelines (Richards et al. 2015 PMID: 25741868, with internal and published modifications).

NM_001330063.2(ANKFY1):c.3140-9G>T

Gene: ANKFY1 (ankyrin repeat and FYVE domain containing 1; minus strand). Cytogenetic location: 17p13.2.
Variant type: single nucleotide variant.
Coding change: c.3140-9G>T on transcript NM_001330063.2 (MANE Select); 9 bases into the intron before coding-DNA position 3140, G replaced by T.
Molecular consequence: intron variant.
Genome position (GRCh38, 1-based): chr17:4,170,870, C>A on the plus strand (G>T on the coding strand, the complement: ANKFY1 is on the minus strand). VCF-style: chr17-4170870-C-A. GRCh37 (hg19) VCF-style: chr17-4074164-C-A.
Other names: c.3143-9G>T (NM_016376.5); c.3266-9G>T (NM_001257999.3).
Identifiers: ClinVar variation 3055031 (VCV003055031.2), dbSNP rs202011309, ClinGen allele CA8300894.